The following is an entry in ClinVar:

NM_005993.5(TBCD):c.2599G>A (p.Val867Met)

Gene: TBCD (tubulin folding cofactor D). Cytogenetic location: 17q25.3.
Variant type: single nucleotide variant.
Coding change: c.2599G>A on transcript NM_005993.5 (MANE Select); coding-DNA position 2599, G replaced by A.
Protein change: p.Val867Met; replaces valine 867 with methionine.
Molecular consequence: missense variant.
Genome position (GRCh38, 1-based): chr17:82,927,313, G>A. VCF-style: chr17-82927313-G-A. GRCh37 (hg19) VCF-style: chr17-80885189-G-A.
Other names: short protein forms V867M.
Identifiers: ClinVar variation 1690447 (VCV001690447.2), dbSNP rs755667871, ClinGen allele CA8863120.
Genomic context (GRCh38, chr17:82,927,313, plus strand): 5'-CAGATTTACTGTGCGCTGCTGGGCTGCATGGACGACTACACCACGGACAGCAGAGGGGAC[G>A]TGGGCACCTGGTACGTACGTAGCAGTGGGTGAGCGCTTCTTCTGAGAAGCCCATCTATTC-3'
Protein context (NP_005984.3, residues 857-877): DDYTTDSRGD[Val867Met]GTWVRKAAMT

ClinVar aggregate classification (germline): Uncertain significance (1 of 4 stars; one submission).

Allele frequency attached by ClinVar (database versions not stated): gnomAD exomes below 0.00001; TOPMed below 0.00001; ExAC 0.00001; gnomAD 0.00001.
gnomAD v4.1: 5 of 1,613,760 alleles (0.00031%); highest among the groups gnomAD compares: African/African-American, 0.0013%; no homozygotes.

Submission:

Laboratorio de Genetica e Diagnostico Molecular, Hospital Israelita Albert Einstein
Classification: Uncertain significance. Last evaluated: 2021-09-01. Review status: criteria provided, single submitter. Criteria: ACMG Guidelines, 2015. Collection method: clinical testing. Allele origin: germline. Affected: yes.
Comment: ACMG classification criteria: PM2, BP4